The following is an entry in ClinVar:

NM_052947.4(ALPK2):c.2107T>A (p.Ser703Thr)

Gene: ALPK2 (alpha kinase 2; minus strand). Cytogenetic location: 18q21.31.
Variant type: single nucleotide variant.
Coding change: c.2107T>A on transcript NM_052947.4 (MANE Select); coding-DNA position 2107, T replaced by A.
Protein change: p.Ser703Thr; replaces serine 703 with threonine.
Molecular consequence: missense variant.
Genome position (GRCh38, 1-based): chr18:58,538,080, A>T on the plus strand (T>A on the coding strand, the complement: ALPK2 is on the minus strand). VCF-style: chr18-58538080-A-T. GRCh37 (hg19) VCF-style: chr18-56205312-A-T.
Other names: short protein forms S703T.
Identifiers: ClinVar variation 2451124 (VCV002451124.2), dbSNP rs1181272050, ClinGen allele CA402571685.
Genomic context (GRCh38, chr18:58,538,080, plus strand): 5'-GTTTTTCTTCATGCTGTGGACCACAGGTACAGGGTTTGACCTCCGAGTGTTGAGCTAATG[A>T]TGCATTTTCCTTGTGGACCCCTCCTAAGTTTGAGAAGGAAATTGTTGTGGTCCCAGTGAA-3'
Protein context (NP_443179.3, residues 693-713): NLGGVHKENA[Ser703Thr]LAQHSEVKPC

ClinVar aggregate classification (germline): Uncertain significance (1 of 4 stars; one submission).

gnomAD v4.1: 4 of 1,614,126 alleles (0.00025%); highest among the groups gnomAD compares: Admixed American, 0.005%; no homozygotes.

Submission:

Ambry Genetics
Classification: Uncertain significance. Last evaluated: 2023-01-05. Review status: criteria provided, single submitter. Criteria: Ambry Variant Classification Scheme 2023. Collection method: clinical testing. Allele origin: germline.
Comment: The p.S703T variant (also known as c.2107T>A), located in coding exon 4 of the ALPK2 gene, results from a T to A substitution at nucleotide position 2107. The serine at codon 703 is replaced by threonine, an amino acid with similar properties. This amino acid position is conserved. In addition, this alteration is predicted to be tolerated by in silico analysis. Since supporting evidence is limited at this time, the clinical significance of this alteration remains unclear.